The following is an entry in ClinVar:

ClinVar aggregate classification (germline): Pathogenic (1 of 4 stars; one submission).

Conditions:
X-linked Emery-Dreifuss muscular dystrophy. Also called: Muscular dystrophy, tardive Emery-Dreifuss type, with contractures. Identifiers: Orphanet 261, Orphanet 98863, MedGen C0751337, MONDO:0010680.

Submission:

Labcorp Genetics (formerly Invitae), Labcorp
Classification: Pathogenic for X-linked Emery-Dreifuss muscular dystrophy. Last evaluated: 2024-10-31. Review status: criteria provided, single submitter. Criteria: Invitae Variant Classification Sherloc (09022015). Collection method: clinical testing. Allele origin: germline.
Comment: This variant results in the deletion of part of exon 5 (c.439_449+3del) of the EMD gene. While this variant is not anticipated to result in nonsense mediated decay, it likely alters RNA splicing and results in a disrupted protein product. This variant is not present in population databases (gnomAD no frequency). This variant has not been reported in the literature in individuals affected with EMD-related conditions. Variants that disrupt the consensus splice site are a relatively common cause of aberrant splicing (PMID: 17576681, 9536098). This variant disrupts a region of the EMD protein in which other variant(s) (p.Trp226*) have been determined to be pathogenic (PMID: 8589715, 15967842). This suggests that this is a clinically significant region of the protein, and that variants that disrupt it are likely to be disease-causing. For these reasons, this variant has been classified as Pathogenic.

Literature cited by the submitters: PubMed 17576681; PubMed 9536098; PubMed 8589715; PubMed 15967842.

NM_000117.3(EMD):c.439_449+3del

Gene: EMD (emerin; plus strand). Cytogenetic location: Xq28.
Variant type: Deletion.
Coding change: c.439_449+3del on transcript NM_000117.3 (MANE Select); coding-DNA position 439 through 3 bases into the intron after coding-DNA position 449, 14 bases deleted (TGCAAGGATAGGTG).
Molecular consequence: splice donor variant.
Genome position (GRCh38, 1-based): chrX:154,380,792-154,380,805, TGCAAGGATAGGTG deleted; deleting any 14 consecutive bases within chrX:154,380,791-154,380,805 gives the same sequence; the c. name uses the placement nearest the transcript's 3' end. VCF-style (leftmost placement, unchanged base first): chrX-154380790-AGTGCAAGGATAGGT-A. GRCh37 (hg19) VCF-style: chrX-153609150-AGTGCAAGGATAGGT-A.
Identifiers: ClinVar variation 3724383 (VCV003724383.2).